The following is an entry in ClinVar:

NM_139281.3(WDR36):c.1711G>C (p.Asp571His)

Gene: WDR36 (WD repeat domain 36; plus strand). Cytogenetic location: 5q22.1.
Variant type: single nucleotide variant.
Coding change: c.1711G>C on transcript NM_139281.3 (MANE Select); coding-DNA position 1711, G replaced by C.
Protein change: p.Asp571His; replaces aspartic acid 571 with histidine.
Molecular consequence: missense variant.
Genome position (GRCh38, 1-based): chr5:111,111,273, G>C. VCF-style: chr5-111111273-G-C. GRCh37 (hg19) VCF-style: chr5-110446972-G-C.
Other names: short protein forms D571H.
Identifiers: ClinVar variation 2602858 (VCV002602858.3), dbSNP rs565004620, ClinGen allele CA3365750.

ClinVar aggregate classification (germline): Uncertain significance. Review status: criteria provided, multiple submitters, no conflicts (2 of 4 stars). 2 submissions from 2 submitters: Uncertain significance (2). Last evaluated 2023-08-02.

Conditions:
WDR36-related disorder. Also called: WDR36-related condition.

Allele frequency attached by ClinVar (database versions not stated): TOPMed below 0.00001; gnomAD 0.00003; gnomAD exomes 0.00007 and 0.00014; ExAC 0.00011; 1000 Genomes Project 30x 0.00016; 1000 Genomes Project 0.00020.
gnomAD v4.1: 118 of 1,610,526 alleles (0.0073%); highest among the groups gnomAD compares: South Asian, 0.12%; 1 homozygote.

Submissions (2):

Ambry Genetics
Classification: Uncertain significance. Last evaluated: 2023-08-02. Review status: criteria provided, single submitter. Criteria: Ambry Variant Classification Scheme 2023. Collection method: clinical testing. Allele origin: germline.

PreventionGenetics, part of Exact Sciences
Classification: Uncertain significance for WDR36-related condition. Last evaluated: 2022-08-24. Review status: criteria provided, single submitter. Criteria: ACMG Guidelines, 2015. Collection method: clinical testing. Allele origin: germline.
Comment: The WDR36 c.1879G>C variant is predicted to result in the amino acid substitution p.Asp627His. To our knowledge, this variant has not been reported in the literature. This variant is reported in 0.12% of alleles in individuals of South Asian descent in gnomAD, which may be too common to be a primary cause of disease. Although we suspect that this variant may be benign, at this time, the clinical significance of this variant is uncertain due to the absence of conclusive functional and genetic evidence.